The following is an entry in ClinVar:

ClinVar aggregate classification (germline): Uncertain significance (1 of 4 stars; one submission).

Submission:

Labcorp Genetics (formerly Invitae), Labcorp
Classification: Uncertain significance. Last evaluated: 2025-03-05. Review status: criteria provided, single submitter. Criteria: Invitae Variant Classification Sherloc (09022015). Collection method: clinical testing. Allele origin: germline.
Comment: This sequence change replaces glycine, which is neutral and non-polar, with serine, which is neutral and polar, at codon 128 of the COL9A2 protein (p.Gly128Ser). This variant is not present in population databases (gnomAD no frequency). This variant has not been reported in the literature in individuals affected with COL9A2-related conditions. Invitae Evidence Modeling of protein sequence and biophysical properties (such as structural, functional, and spatial information, amino acid conservation, physicochemical variation, residue mobility, and thermodynamic stability) indicates that this missense variant is expected to disrupt COL9A2 protein function with a positive predictive value of 95%. In summary, the available evidence is currently insufficient to determine the role of this variant in disease. Therefore, it has been classified as a Variant of Uncertain Significance.

NM_001852.4(COL9A2):c.382G>A (p.Gly128Ser)

Gene: COL9A2 (collagen type IX alpha 2 chain; minus strand). Cytogenetic location: 1p34.2.
Variant type: single nucleotide variant.
Coding change: c.382G>A on transcript NM_001852.4 (MANE Select); coding-DNA position 382, G replaced by A.
Protein change: p.Gly128Ser; replaces glycine 128 with serine.
Molecular consequence: missense variant.
Genome position (GRCh38, 1-based): chr1:40,312,094, C>T on the plus strand (G>A on the coding strand, the complement: COL9A2 is on the minus strand). VCF-style: chr1-40312094-C-T. GRCh37 (hg19) VCF-style: chr1-40777766-C-T.
Other names: short protein forms G128S.
Identifiers: ClinVar variation 4799886 (VCV004799886.1).
Genomic context (GRCh38, chr1:40,312,094, plus strand): 5'-TGAACAGAGGGTGGCTGAGGCTCACCTTGGGGCCTCGGATTCCAATCTCACCAGGGAGGC[C>T]AACAGGTCCAGGAGGCCCCTGGGGAGCAGAGAGTTGATGGTCAGGATGCCTCAGAGGGTC-3'
Protein context (NP_001843.1, residues 118-138): AGPPGPPGPV[Gly128Ser]LPGEIGIRGP